The following is an entry in ClinVar:

NM_001370100.5(ZMYND11):c.831+66T>G

Gene: ZMYND11 (zinc finger MYND-type containing 11; plus strand). Cytogenetic location: 10p15.3.
Variant type: single nucleotide variant.
Coding change: c.831+66T>G on transcript NM_001370100.5 (MANE Select); 66 bases into the intron after coding-DNA position 831, T replaced by G.
Molecular consequence: intron variant.
Genome position (GRCh38, 1-based): chr10:241,036, T>G. VCF-style: chr10-241036-T-G. GRCh37 (hg19) VCF-style: chr10-286976-T-G.
Other names: c.669+66T>G (NM_001370103.2, NM_001370104.2, NM_001370105.2 and 6 more transcripts); c.831+66T>G (NM_006624.7, NM_001370098.2, NM_001370097.3 and 5 more transcripts); c.753+925T>G (NM_001370119.2); c.711+66T>G (NM_001370118.2); c.738+66T>G (NM_001370113.2, NM_001370114.2); c.780+66T>G (NM_001330057.3, NM_001370112.2); c.828+66T>G (NM_001370115.2, NM_212479.4); c.666+66T>G (NM_001202466.3, NM_001370111.2); and 7 more.
Identifiers: ClinVar variation 4880867 (VCV004880867.2).

ClinVar aggregate classification (germline): Uncertain significance (1 of 4 stars; one submission).

Conditions:
Intellectual developmental disorder, autosomal dominant 30, with speech delay and behavioral abnormalities. Also called: Intellectual disability, autosomal dominant 30. Identifiers: Orphanet 436151, MedGen C4015167, MONDO:0014486, OMIM 616083.

gnomAD v4.1: 1 of 1,275,326 alleles (0.000078%); highest among the groups gnomAD compares: South Asian, 0.0013%; no homozygotes.

Submission:

Dasa
Classification: Uncertain significance for Intellectual developmental disorder, autosomal dominant 30, with speech delay and behavioral abnormalities. Last evaluated: 2025-10-30. Review status: criteria provided, single submitter. Criteria: DASA Assertion Criteria. Collection method: clinical testing. Allele origin: germline.
Comment: NM_001370100.5(ZMYND11):c.831+66T>G is an intronic variant. This variant is rare in population databases. Computational prediction algorithms are consistent with a deleterious effect. The currently available literature and clinical evidence are not sufficient to establish a definitive association between this variant and the reported condition. Therefore, this variant is classified as a variant of uncertain significance.